The following is an entry in ClinVar:

NM_007294.4(BRCA1):c.5135G>T (p.Trp1712Leu)

Gene: BRCA1 (BRCA1 DNA repair associated; minus strand). Cytogenetic location: 17q21.31.
Variant type: single nucleotide variant.
Coding change: c.5135G>T on transcript NM_007294.4 (MANE Select); coding-DNA position 5135, G replaced by T.
Protein change: p.Trp1712Leu; replaces tryptophan 1712 with leucine.
Molecular consequence: missense variant. On other transcripts: non-coding transcript variant (1).
Genome position (GRCh38, 1-based): chr17:43,063,891, C>A on the plus strand (G>T on the coding strand, the complement: BRCA1 is on the minus strand). VCF-style: chr17-43063891-C-A. GRCh37 (hg19) VCF-style: chr17-41215908-C-A.
Other names: c.4922G>T, p.Trp1641Leu (NM_001407571.1, NM_001407899.1, NM_001407900.1 and 12 more transcripts); c.5201G>T, p.Trp1734Leu (NM_001407581.1, NM_001407582.1); c.5198G>T, p.Trp1733Leu (NM_001407583.1, NM_001407585.1, NM_001407587.1 and 1 more transcripts); c.5195G>T, p.Trp1732Leu (NM_001407590.1, NM_001407591.1); c.5135G>T, p.Trp1712Leu (NM_001407593.1, NM_001407594.1, NM_001407596.1 and 7 more transcripts); c.5132G>T, p.Trp1711Leu (NM_001407610.1, NM_001407611.1, NM_001407612.1 and 17 more transcripts); c.5129G>T, p.Trp1710Leu (NM_001407627.1, NM_001407628.1, NM_001407629.1 and 14 more transcripts); c.5123G>T, p.Trp1708Leu (NM_001407646.1); and 71 more; short protein forms W1733L, W1665L, W608L, W1712L, W1416L, W1584L, W1585L, W1600L.
Identifiers: ClinVar variation 867688 (VCV000867688.3), dbSNP rs876658672, ClinGen allele CA10591271.

Conditions:
Breast-ovarian cancer, familial, susceptibility to, 1 (BROVCA1). Also called: BRCA1 Hereditary Breast and Ovarian Cancer; OVARIAN CANCER, SUSCEPTIBILITY TO. Identifiers: Orphanet 145, MedGen C2676676, MONDO:0011450, OMIM 604370. Disease mechanism: loss of function.

Submission:

Brotman Baty Institute, University of Washington
No classification provided (evidence only). Condition: Breast-ovarian cancer, familial 1. Review status: no classification provided. Collection method: in vitro. Allele origin: not applicable. Functional consequence: functionally_normal.
ClinVar note: "not provided" was previously submitted as the classification for the variant. However, the classification appeared to be based only on an observation of functional data so it was converted to no classification on 2025-07-30.